The following is an entry in ClinVar:

ClinVar aggregate classification (germline): Uncertain significance. Review status: criteria provided, multiple submitters, no conflicts (2 of 4 stars). 5 submissions from 5 submitters: Uncertain significance (4). 1 of the submissions does not count toward it. Last evaluated 2026-08-05.

Conditions:
Inborn genetic diseases. Identifiers: MedGen C0950123, MeSH D030342.
Fanconi anemia (FA). Also called: Fanconi's anemia. Identifiers: Orphanet 84, MedGen C0015625, MeSH D005199, MONDO:0019391.
Fanconi anemia complementation group A (FANCA). Also called: FANCA-Related Fanconi Anemia; Fanconi anemia, group A. Identifiers: Orphanet 84, MedGen C3469521, MONDO:0009215, OMIM 227650.

Allele frequency attached by ClinVar (database versions not stated): TOPMed below 0.00001; gnomAD exomes 0.00002 and 0.00004.

Submissions (5):

Ambry Genetics
Classification: Uncertain significance for Inborn genetic diseases. Last evaluated: 2026-08-05. Review status: criteria provided, single submitter. Criteria: Ambry Variant Classification Scheme 2023. Collection method: clinical testing. Allele origin: germline.

Labcorp Genetics (formerly Invitae), Labcorp
Classification: Uncertain significance for Fanconi anemia. Last evaluated: 2025-12-09. Review status: criteria provided, single submitter. Criteria: Invitae Variant Classification Sherloc (09022015). Collection method: clinical testing. Allele origin: germline.
Comment: This sequence change replaces alanine, which is neutral and non-polar, with threonine, which is neutral and polar, at codon 10 of the FANCA protein (p.Ala10Thr). The frequency data for this variant in the population databases is considered unreliable, as metrics indicate poor data quality at this position in the gnomAD database. This variant has not been reported in the literature in individuals affected with FANCA-related conditions. ClinVar contains an entry for this variant (Variation ID: 649118). Invitae Evidence Modeling of protein sequence and biophysical properties (such as structural, functional, and spatial information, amino acid conservation, physicochemical variation, residue mobility, and thermodynamic stability) indicates that this missense variant is not expected to disrupt FANCA protein function with a negative predictive value of 95%. In summary, the available evidence is currently insufficient to determine the role of this variant in disease. Therefore, it has been classified as a Variant of Uncertain Significance.

Fulgent Genetics
Classification: Uncertain significance for Fanconi anemia complementation group A. Last evaluated: 2021-12-04. Review status: criteria provided, single submitter. Criteria: ACMG Guidelines, 2015. Collection method: clinical testing. Allele origin: unknown.

Illumina Laboratory Services, Illumina
Classification: Uncertain significance for Fanconi anemia complementation group A. Last evaluated: 2017-04-27. Review status: criteria provided, single submitter. Criteria: ICSL Variant Classification Criteria 13 December 2019. Collection method: clinical testing. Allele origin: germline.

Natera, Inc.
Classification: Uncertain significance for Fanconi anemia. Last evaluated: 2020-03-15. Review status: no assertion criteria provided. Collection method: clinical testing. Allele origin: germline. Not counted in ClinVar's aggregate classification.

NM_000135.4(FANCA):c.28G>A (p.Ala10Thr)

Genes: FANCA (FA complementation group A; minus strand), LOC112486223 (Sharpr-MPRA regulatory region 3988; plus strand). Cytogenetic location: 16q24.3.
Variant type: single nucleotide variant.
Coding change: c.28G>A on transcript NM_000135.4 (MANE Select); coding-DNA position 28, G replaced by A.
Protein change: p.Ala10Thr; replaces alanine 10 with threonine.
Molecular consequence: missense variant.
Genome position (GRCh38, 1-based): chr16:89,816,588, C>T on the plus strand (G>A on the coding strand, the complement: FANCA is on the minus strand). VCF-style: chr16-89816588-C-T. GRCh37 (hg19) VCF-style: chr16-89882996-C-T.
Other names: c.28G>A (LRG_495t1); c.28G>A, p.Ala10Thr (NM_001018112.3, NM_001286167.3, NM_001351830.2); short protein forms A10T.
Identifiers: ClinVar variation 649118 (VCV000649118.15), dbSNP rs965036018, ClinGen allele CA286612791.